The following is an entry in ClinVar:

ClinVar aggregate classification (germline): Pathogenic/Likely pathogenic. Review status: criteria provided, multiple submitters, no conflicts (2 of 4 stars). 6 submissions from 6 submitters: Pathogenic (3); Likely pathogenic (3). Last evaluated 2024-09-19.

Conditions:
Mucopolysaccharidosis type 6 (MPS6). Also called: N-ACETYLGALACTOSAMINE-4-SULFATASE DEFICIENCY; MPS 6; Maroteaux Lamy syndrome; MPS VI; ARSB DEFICIENCY; ARYLSULFATASE B DEFICIENCY. Identifiers: Orphanet 583, MedGen C0026709, MONDO:0009661, OMIM 253200.

Submissions (6):

Women's Health and Genetics/Laboratory Corporation of America, LabCorp
Classification: Likely pathogenic for Mucopolysaccharidosis type 6. Last evaluated: 2024-09-19. Review status: criteria provided, single submitter. Criteria: LabCorp Variant Classification Summary - May 2015. Collection method: clinical testing. Allele origin: germline.
Comment: Variant summary: ARSB c.245T>G (p.Leu82Arg) results in a non-conservative amino acid change located in the Sulfatase, N-terminal domain (IPR000917) of the encoded protein sequence. Five of five in-silico tools predict a damaging effect of the variant on protein function. The variant allele was found at a frequency of 5.7e-06 in 176368 control chromosomes (gnomAD). c.245T>G has been reported in the literature in homozygous and compound heterozygous individuals affected with Mucopolysaccharidosis Type VI (Maroteaux-Lamy Syndrome) and this variant co-segregated with the disease (Garrido_2007, DiNatale_2008, Zanetti_2009). These data indicate that the variant is likely to be associated with disease. To our knowledge, no experimental evidence demonstrating an impact on protein function has been reported. The following publications have been ascertained in the context of this evaluation (PMID: 17672828, 17643332, 18406185, 30118150, 19259130). ClinVar contains an entry for this variant (Variation ID: 445290). Based on the evidence outlined above, the variant was classified as likely pathogenic.

Labcorp Genetics (formerly Invitae), Labcorp
Classification: Pathogenic for Mucopolysaccharidosis type 6. Last evaluated: 2023-10-23. Review status: criteria provided, single submitter. Criteria: Invitae Variant Classification Sherloc (09022015). Collection method: clinical testing. Allele origin: germline.
Comment: This sequence change replaces leucine, which is neutral and non-polar, with arginine, which is basic and polar, at codon 82 of the ARSB protein (p.Leu82Arg). This variant is present in population databases (no rsID available, gnomAD 0.001%). This missense change has been observed in individual(s) with mucopolysaccharidosis type VI (PMID: 17643332, 19259130). In at least one individual the data is consistent with being in trans (on the opposite chromosome) from a pathogenic variant. ClinVar contains an entry for this variant (Variation ID: 445290). Advanced modeling of protein sequence and biophysical properties (such as structural, functional, and spatial information, amino acid conservation, physicochemical variation, residue mobility, and thermodynamic stability) performed at Invitae indicates that this missense variant is expected to disrupt ARSB protein function. Experimental studies have shown that this missense change affects ARSB function (PMID: 18406185). For these reasons, this variant has been classified as Pathogenic.

Baylor Genetics
Classification: Pathogenic for Mucopolysaccharidosis type 6. Last evaluated: 2023-03-08. Review status: criteria provided, single submitter. Criteria: ACMG Guidelines, 2015. Collection method: clinical testing. Allele origin: unknown.

SIB Swiss Institute of Bioinformatics
Classification: Likely pathogenic for Mucopolysaccharidosis type 6. Last evaluated: 2018-04-16. Review status: criteria provided, single submitter. Criteria: ACMG Guidelines, 2015. Collection method: curation. Allele origin: germline.
Comment: This variant is interpreted as a Likely Pathogenic, for Mucopolysaccharidosis type VI, Autosomal Recessive inheritance. The following ACMG Tag(s) were applied: PM2 => Absent from controls (or at extremely low frequency if recessive) in Exome Sequencing Project, 1000 Genomes Project, or Exome Aggregation Consortium. PP3 => Multiple lines of computational evidence support a deleterious effect on the gene or gene product. PS3 => Well-established functional studies show a deleterious effect (PMID:18406185). PM3 => For recessive disorders, detected in trans with a pathogenic variant (PMID:19259130).

Laboratory of Diagnosis and Therapy of Lysosomal Disorders, University of Padova
Classification: Likely pathogenic for Mucopolysaccharidosis type 6. Last evaluated: 2018-01-01. Review status: criteria provided, single submitter. Criteria: ACMG Guidelines, 2015. Collection method: curation. Allele origin: germline. Affected: yes.
Comment: In vitro functional studies supportive of a damaging effect on the gene product (low to no ARSB activity in homozygotes; PS3); Very low frequence in ExAC (PM2)

Medical Molecular Genetics Department, National Research Center
Classification: Pathogenic for Mucopolysaccharidosis type 6. Last evaluated: 2015-12-01. Review status: criteria provided, single submitter. Criteria: ACMG Guidelines, 2015. Collection method: research. Allele origin: germline. Affected: yes. Observed: 2 variant alleles.
Comment: Homozygous/ compound heterozygous with NM_000046.4:c.189_190insA

Literature cited by the submitters: PubMed 30118150 (cited by Women's Health and Genetics/Laboratory Corporation of America, LabCorp and Laboratory of Diagnosis and Therapy of Lysosomal Disorders, University of Padova); PubMed 17643332 (cited by 3 submitters); PubMed 19259130 (cited by 4 submitters); PubMed 18406185 (cited by 4 submitters); PubMed 17672828 (cited by Women's Health and Genetics/Laboratory Corporation of America, LabCorp and Laboratory of Diagnosis and Therapy of Lysosomal Disorders, University of Padova).

NM_000046.5(ARSB):c.245T>G (p.Leu82Arg)

Genes: ARSB (arylsulfatase B; minus strand), LOC129994126 (ATAC-STARR-seq lymphoblastoid silent region 16127; plus strand). Cytogenetic location: 5q14.1.
Variant type: single nucleotide variant.
Coding change: c.245T>G on transcript NM_000046.5 (MANE Select); coding-DNA position 245, T replaced by G.
Protein change: p.Leu82Arg; replaces leucine 82 with arginine.
Molecular consequence: missense variant.
Genome position (GRCh38, 1-based): chr5:78,985,004, A>C on the plus strand (T>G on the coding strand, the complement: ARSB is on the minus strand). VCF-style: chr5-78985004-A-C. GRCh37 (hg19) VCF-style: chr5-78280827-A-C.
Other names: NM_000046.3:c.245T>G(p.Leu82Arg); NM_198709.2:c.245T>G(p.Leu82Arg); c.245T>G, p.Leu82Arg (NM_198709.3); short protein forms L82R.
Identifiers: ClinVar variation 445290 (VCV000445290.11), dbSNP rs749465732, ClinGen allele CA360196597.
Genomic context (GRCh38, chr5:78,985,004, plus strand): 5'-CGGCCAGTGAGCAGCTGGCTCCGCGACGGCGTGCACAGCGGCTGCGTGTAGTAGTTGTCC[A>C]GGAGCACCCCGCCGGCCGCCAGCGCGTCCAGGTGCGGCGTGCGGATGCGGGAGCCGTGGA-3'
Protein context (NP_000037.2, residues 72-92): LDALAAGGVL[Leu82Arg]DNYYTQPLCT